The following is an entry in ClinVar:

ClinVar aggregate classification (germline): Uncertain significance (1 of 4 stars; one submission).

Allele frequency attached by ClinVar (database versions not stated): gnomAD exomes 0.00003; ExAC 0.00004; TOPMed 0.00013; ESP Exome Variant Server 0.00023.
gnomAD v4.1: 137 of 1,613,876 alleles (0.0085%); highest among the groups gnomAD compares: Non-Finnish European, 0.011%; no homozygotes.

Submission:

Labcorp Genetics (formerly Invitae), Labcorp
Classification: Uncertain significance. Last evaluated: 2022-09-13. Review status: criteria provided, single submitter. Criteria: Invitae Variant Classification Sherloc (09022015). Collection method: clinical testing. Allele origin: germline.
Comment: This sequence change replaces aspartic acid, which is acidic and polar, with asparagine, which is neutral and polar, at codon 510 of the ZNF341 protein (p.Asp510Asn). This variant is present in population databases (rs147280029, gnomAD 0.008%). This variant has not been reported in the literature in individuals affected with ZNF341-related conditions. ClinVar contains an entry for this variant (Variation ID: 1417226). Algorithms developed to predict the effect of missense changes on protein structure and function are either unavailable or do not agree on the potential impact of this missense change (SIFT: "Deleterious"; PolyPhen-2: "Benign"; Align-GVGD: "Class C0"). In summary, the available evidence is currently insufficient to determine the role of this variant in disease. Therefore, it has been classified as a Variant of Uncertain Significance.

NM_001282933.2(ZNF341):c.1549G>A (p.Asp517Asn)

Gene: ZNF341 (zinc finger protein 341; plus strand). Cytogenetic location: 20q11.22.
Variant type: single nucleotide variant.
Coding change: c.1549G>A on transcript NM_001282933.2 (MANE Select); coding-DNA position 1549, G replaced by A.
Protein change: p.Asp517Asn; replaces aspartic acid 517 with asparagine.
Molecular consequence: missense variant. On other transcripts: non-coding transcript variant (1).
Genome position (GRCh38, 1-based): chr20:33,770,219, G>A. VCF-style: chr20-33770219-G-A. GRCh37 (hg19) VCF-style: chr20-32358025-G-A.
Other names: c.1279G>A, p.Asp427Asn (NM_001282935.2); c.1528G>A, p.Asp510Asn (NM_032819.5); short protein forms D427N, D510N, D517N.
Identifiers: ClinVar variation 1417226 (VCV001417226.3), dbSNP rs147280029, ClinGen allele CA9819473.